The following is an entry in ClinVar:

NM_173660.5(DOK7):c.656C>G (p.Pro219Arg)

Gene: DOK7 (docking protein 7; plus strand). Cytogenetic location: 4p16.3.
Variant type: single nucleotide variant.
Coding change: c.656C>G on transcript NM_173660.5 (MANE Select); coding-DNA position 656, C replaced by G.
Protein change: p.Pro219Arg; replaces proline 219 with arginine.
Molecular consequence: missense variant. On other transcripts: synonymous variant (1), 5 prime UTR variant (1).
Genome position (GRCh38, 1-based): chr4:3,489,680, C>G. VCF-style: chr4-3489680-C-G. GRCh37 (hg19) VCF-style: chr4-3491407-C-G.
Other names: c.645C>G, p.Pro215= (NM_001164673.2); c.-275C>G (NM_001256896.2); c.656C>G, p.Pro219Arg (NM_001301071.2); c.224C>G, p.Pro75Arg (NM_001363811.2); short protein forms P219R, P75R.
Identifiers: ClinVar variation 2419823 (VCV002419823.6), dbSNP rs750743469, ClinGen allele CA2829134.
Genomic context (GRCh38, chr4:3,489,680, plus strand): 5'-CGGGCGAGGGTGGGCGGTGGTGGCCACCTCCTCCACCGAGTCTTCTCTCTGCCACAGACC[C>G]AAGTCCCCCGGGACCCTCGACTGTGGAGGAGCGTGTGGCCCAGGAAGCCCTGGAAACCCT-3'
Protein context (NP_775931.3, residues 209-229): PFGLRPVLPD[Pro219Arg]SPPGPSTVEE

ClinVar aggregate classification (germline): Uncertain significance (1 of 4 stars; one submission).

Conditions:
Congenital myasthenic syndrome 10. Also called: Myasthenia, limb-girdle, familial. Identifiers: Orphanet 590, MedGen C1850792, MONDO:0009690, OMIM 254300.
Fetal akinesia deformation sequence 1 (FADS1). Also called: Pena-Shokeir syndrome type I; Fetal akinesia sequence. Identifiers: Orphanet 994, MedGen C1276035, MONDO:0100101, OMIM 208150, HP:0001989.

Allele frequency attached by ClinVar (database versions not stated): gnomAD 0.00001; TOPMed 0.00001; gnomAD exomes 0.00006.
gnomAD v4.1: 80 of 1,566,008 alleles (0.0051%); highest among the groups gnomAD compares: Non-Finnish European, 0.0068%; no homozygotes.

Submission:

Labcorp Genetics (formerly Invitae), Labcorp
Classification: Uncertain significance for Congenital myasthenic syndrome 10; Fetal akinesia deformation sequence 1. Last evaluated: 2022-06-02. Review status: criteria provided, single submitter. Criteria: Invitae Variant Classification Sherloc (09022015). Collection method: clinical testing. Allele origin: germline.
Comment: This sequence change replaces proline, which is neutral and non-polar, with arginine, which is basic and polar, at codon 219 of the DOK7 protein (p.Pro219Arg). This variant is not present in population databases (gnomAD no frequency). This variant has not been reported in the literature in individuals affected with DOK7-related conditions. Algorithms developed to predict the effect of missense changes on protein structure and function are either unavailable or do not agree on the potential impact of this missense change (SIFT: "Tolerated"; PolyPhen-2: "Possibly Damaging"; Align-GVGD: "Class C0"). In summary, the available evidence is currently insufficient to determine the role of this variant in disease. Therefore, it has been classified as a Variant of Uncertain Significance.